The following is an entry in ClinVar:

ClinVar aggregate classification (germline): Likely benign (0 of 4 stars; one submission).

Conditions:
FGFR4-related disorder. Also called: FGFR4-related condition.

Allele frequency attached by ClinVar (database versions not stated): ExAC 0.00013; gnomAD 0.00013; TOPMed 0.00016; ESP Exome Variant Server 0.00023; gnomAD exomes 0.00050.
gnomAD v4.1: 298 of 709,232 alleles (0.042%); highest among the groups gnomAD compares: Non-Finnish European, 0.06%; no homozygotes.

Submission:

PreventionGenetics, part of Exact Sciences
Classification: Likely benign for FGFR4-related condition. Last evaluated: 2019-08-13. Review status: no assertion criteria provided. Collection method: clinical testing. Allele origin: germline.
Comment: This variant is classified as likely benign based on ACMG/AMP sequence variant interpretation guidelines (Richards et al. 2015 PMID: 25741868, with internal and published modifications).

NM_213647.3(FGFR4):c.1206G>A (p.Pro402=)

Gene: FGFR4 (fibroblast growth factor receptor 4; plus strand). Cytogenetic location: 5q35.2.
Variant type: single nucleotide variant.
Coding change: c.1206G>A on transcript NM_213647.3 (MANE Select); coding-DNA position 1206, G replaced by A.
Protein change: p.Pro402=; no amino-acid change (proline 402 retained).
Molecular consequence: synonymous variant. On other transcripts: intron variant (2).
Genome position (GRCh38, 1-based): chr5:177,093,286, G>A. VCF-style: chr5-177093286-G-A. GRCh37 (hg19) VCF-style: chr5-176520287-G-A.
Other names: c.1206G>A, p.Pro402= (NM_001354984.2, NM_002011.5); c.1097+109G>A (NM_001291980.2); c.1058-46G>A (NM_022963.3).
Identifiers: ClinVar variation 3053826 (VCV003053826.2), dbSNP rs147603016, ClinGen allele CA3576305.